The following is an entry in ClinVar:

NM_139058.3(ARX):c.1150C>T (p.Arg384Cys)

Gene: ARX (aristaless related homeobox; minus strand). Cytogenetic location: Xp21.3.
Variant type: single nucleotide variant.
Coding change: c.1150C>T on transcript NM_139058.3 (MANE Select); coding-DNA position 1150, C replaced by T.
Protein change: p.Arg384Cys; replaces arginine 384 with cysteine.
Molecular consequence: missense variant.
Genome position (GRCh38, 1-based): chrX:25,007,409, G>A on the plus strand (C>T on the coding strand, the complement: ARX is on the minus strand). VCF-style: chrX-25007409-G-A. GRCh37 (hg19) VCF-style: chrX-25025526-G-A.
Other names: short protein forms R384C.
Identifiers: ClinVar variation 2159557 (VCV002159557.4), dbSNP rs2519101958, ClinGen allele CA412611622.

ClinVar aggregate classification (germline): Pathogenic/Likely pathogenic. Review status: criteria provided, multiple submitters, no conflicts (2 of 4 stars). 2 submissions from 2 submitters: Pathogenic (1); Likely pathogenic (1). Last evaluated 2025-09-15.

Conditions:
Developmental and epileptic encephalopathy, 1 (DEE1). Also called: X-linked infantile spasms; West's syndrome; Tonic spasms with clustering, arrest of psychomotor development and hypsarrhythmia on EEG; X-Linked Infantile Spasm Syndrome; OHTAHARA SYNDROME, X-LINKED; INFANTILE SPASM SYNDROME, X-LINKED 1. Identifiers: MedGen C3463992, MONDO:0010632, OMIM 308350. Disease mechanism: loss of function.
Intellectual disability, X-linked, with or without seizures, ARX-related. Also called: MENTAL RETARDATION, X-LINKED 29; MENTAL RETARDATION, X-LINKED 32; MENTAL RETARDATION, X-LINKED 33; MENTAL RETARDATION, X-LINKED 38; MENTAL RETARDATION, X-LINKED 43; MENTAL RETARDATION, X-LINKED 76. Identifiers: Orphanet 777, MedGen C0796244, MONDO:0010317, OMIM 300419.
X-linked ARX-related disorders.

Allele frequency attached by ClinVar (database versions not stated): gnomAD exomes below 0.00001.
gnomAD v4.1: 1 of 1,163,242 alleles (0.000086%); highest among the groups gnomAD compares: Non-Finnish European, 0.00011%; no homozygotes.

Submissions (2):

Labcorp Genetics (formerly Invitae), Labcorp
Classification: Pathogenic for Developmental and epileptic encephalopathy, 1; Intellectual disability, X-linked, with or without seizures, ARX-related. Last evaluated: 2025-09-15. Review status: criteria provided, single submitter. Criteria: Invitae Variant Classification Sherloc (09022015). Collection method: clinical testing. Allele origin: germline.
Comment: This sequence change replaces arginine, which is basic and polar, with cysteine, which is neutral and slightly polar, at codon 384 of the ARX protein (p.Arg384Cys). This variant is not present in population databases (gnomAD no frequency). This missense change has been observed in individual(s) with clinical features of early infantile epileptic encephalopathy (PMID: 32383243). In at least one individual the variant was observed to be de novo. ClinVar contains an entry for this variant (Variation ID: 2159557). Invitae Evidence Modeling of protein sequence and biophysical properties (such as structural, functional, and spatial information, amino acid conservation, physicochemical variation, residue mobility, and thermodynamic stability) indicates that this missense variant is expected to disrupt ARX protein function with a positive predictive value of 80%. This variant disrupts the p.Arg384 amino acid residue in ARX. Other variant(s) that disrupt this residue have been determined to be pathogenic (PMID: 33951346). This suggests that this residue is clinically significant, and that variants that disrupt this residue are likely to be disease-causing. For these reasons, this variant has been classified as Pathogenic.

Variantyx, Inc.
Classification: Likely pathogenic for X-linked ARX-related disorders. Last evaluated: 2025-04-15. Review status: criteria provided, single submitter. Criteria: Variantyx Assertion Criteria 2022. Collection method: clinical testing. Allele origin: maternal. Inheritance: X-linked recessive inheritance. Affected: yes.
Comment: This is a nonsynonymous variant in the ARX gene (OMIM: 300382). Pathogenic variants in this gene have been associated with X-linked ARX-related disorders. This variant likely occurred de novo in an individual reported in the published literature; however, the possibility of parental germline mosaicism cannot be excluded (PMID: 32383243) (PS2_Moderate). Functional studies have shown that this variant alters ARX protein function (PMID: 32383243) (PS3_Moderate), and multiple computational algorithms predict a deleterious effect for this variant (REVEL score: 0.964) (PP3). This variant has been reported in at least one affected individual (PMID: 32712949) (PS4_Moderate) and has a 0.0004% maximum allele frequency in non-founder control populations (PM2). Based on the current evidence, this variant is classified as likely pathogenic for X-linked ARX-related disorders.

Literature cited by the submitters: PubMed 32383243 (cited by Labcorp Genetics (formerly Invitae), Labcorp and Variantyx, Inc.); PubMed 33951346 (cited by Labcorp Genetics (formerly Invitae), Labcorp); PubMed 32712949 (cited by Variantyx, Inc.).